The following is an entry in ClinVar:

NM_001163692.2(UBAP1L):c.710del (p.Pro237fs)

Gene: UBAP1L (ubiquitin associated protein 1 like; minus strand). Cytogenetic location: 15q22.31.
Variant type: Deletion.
Coding change: c.710del on transcript NM_001163692.2 (MANE Select); coding-DNA position 710, one base deleted (C; older notation c.710delC).
Protein change: p.Pro237fs; shifts the reading frame from proline 237.
Molecular consequence: frameshift variant.
Genome position (GRCh38, 1-based): chr15:65,099,704, G deleted on the plus strand (C on the coding strand, the reverse complement: UBAP1L is on the minus strand); the first of 3 consecutive G bases (chr15:65,099,704-65,099,706); deleting any one gives the same sequence. VCF-style (leftmost placement, unchanged base first): chr15-65099703-CG-C. GRCh37 (hg19) VCF-style: chr15-65392041-CG-C.
Other names: short protein forms P237fs.
Identifiers: ClinVar variation 3341499 (VCV003341499.1).

ClinVar aggregate classification (germline): Pathogenic (1 of 4 stars; one submission).

Conditions:
Retinal dystrophy. Also called: Inherited retinal dystrophy. Identifiers: Orphanet 71862, MedGen C0854723, MeSH D058499, MONDO:0019118, HP:0000556.

Submission:

NEI Ophthalmic Genomics Laboratory, National Institutes of Health
Classification: Pathogenic for Inherited retinal dystrophy. Last evaluated: 2024-04-15. Review status: criteria provided, single submitter. Criteria: ACMG Guidelines, 2015. Collection method: research. Allele origin: germline. Affected: yes.
Comment: The UBAP1L variant NM_001163692.2:c.710del was homozygous in three unrelated individuals with IRDs (PMIDs 39325468; 38420906). This variant is rare in gnomAD v4.1.0 (AF 0.00001097; PM2) and is predicted to result in frameshift and premature truncation (PVS1). In summary, the variant NM_001163692.2:c.710del is classified as Pathogenic following the ACMG/AMP guidelines (PMID 25741868).